The following is an entry in ClinVar:

ClinVar aggregate classification (germline): Benign/Likely benign. Review status: criteria provided, multiple submitters, no conflicts (2 of 4 stars). 5 submissions from 5 submitters: Benign (1); Likely benign (4). Last evaluated 2026-09-28.

Conditions:
Hereditary cancer-predisposing syndrome. Also called: Tumor predisposition; Neoplastic Syndromes, Hereditary; Hereditary Cancer Syndrome; Hereditary neoplastic syndrome. Identifiers: Orphanet 140162, MedGen C0027672, MeSH D009386, MONDO:0015356.
Neurofibromatosis, type 1 (NF1). Also called: NEUROFIBROMATOSIS, TYPE I, SOMATIC; Peripheral type neurofibromatosis; VON RECKLINGHAUSEN DISEASE; Neurofibromatosis, type I. Identifiers: Orphanet 636, MedGen C0027831, MONDO:0018975, OMIM 162200. Disease mechanism: loss of function.
Cardiovascular phenotype. Identifiers: MedGen CN230736.

Allele frequency attached by ClinVar (database versions not stated): TOPMed 0.00001.
gnomAD v4.1: 1 of 1,614,080 alleles (0.000062%); highest among the groups gnomAD compares: African/African-American, 0.0013%; no homozygotes.

Submissions (5):

Myriad Genetics, Inc.
Classification: Benign for Neurofibromatosis, type 1. Last evaluated: 2026-09-28. Review status: criteria provided, single submitter. Criteria: Myriad Autosomal Dominant, Autosomal Recessive and X-Linked Classification Criteria (2023). Collection method: clinical testing. Allele origin: unknown.
Comment: This variant is considered benign. This variant is a silent/synonymous amino acid change and it is not expected to impact splicing.

Labcorp Genetics (formerly Invitae), Labcorp
Classification: Likely benign for Neurofibromatosis, type 1. Last evaluated: 2023-10-14. Review status: criteria provided, single submitter. Criteria: Invitae Variant Classification Sherloc (09022015). Collection method: clinical testing. Allele origin: germline.

Genome-Nilou Lab
Classification: Likely benign for Neurofibromatosis, type 1. Last evaluated: 2022-03-15. Review status: criteria provided, single submitter. Criteria: ACMG Guidelines, 2015. Collection method: clinical testing. Allele origin: germline. Affected: no.

Sema4
Classification: Likely benign for Hereditary cancer-predisposing syndrome. Last evaluated: 2021-11-06. Review status: criteria provided, single submitter. Criteria: Sema4 Curation Guidelines. Collection method: curation. Allele origin: germline.

Ambry Genetics
Classification: Likely benign for Cardiovascular phenotype; Hereditary cancer-predisposing syndrome. Last evaluated: 2016-10-03. Review status: criteria provided, single submitter. Criteria: Ambry Variant Classification Scheme 2023. Collection method: clinical testing. Allele origin: germline.

NM_001042492.3(NF1):c.6264G>C (p.Leu2088=)

Gene: NF1 (neurofibromin 1; plus strand). Cytogenetic location: 17q11.2.
Variant type: single nucleotide variant.
Coding change: c.6264G>C on transcript NM_001042492.3 (MANE Select); coding-DNA position 6264, G replaced by C.
Protein change: p.Leu2088=; no amino-acid change (leucine 2088 retained).
Molecular consequence: synonymous variant.
Genome position (GRCh38, 1-based): chr17:31,336,751, G>C. VCF-style: chr17-31336751-G-C. GRCh37 (hg19) VCF-style: chr17-29663769-G-C.
Other names: c.6201G>C, p.Leu2067= (NM_000267.4).
Identifiers: ClinVar variation 480162 (VCV000480162.14), dbSNP rs762751192, ClinGen allele CA499446357.
Genomic context (GRCh38, chr17:31,336,751, plus strand): 5'-TTTAGAACAACATCTTATGTGGGATGATATTGCTATTTTAGCACGCTACATGCTGATGCT[G>C]TCCTTCAACAATTCCCTTGATGTGGCAGCTCATCTTCCCTACCTCTTCCACGTTGTTACT-3'
Protein context (NP_001035957.1, residues 2078-2098): IAILARYMLM[Leu2088=]SFNNSLDVAA